The following is an entry in ClinVar:

ClinVar aggregate classification (germline): Conflicting classifications of pathogenicity. Review status: criteria provided, conflicting classifications (1 of 4 stars). 2 submissions from 2 submitters: Uncertain significance (1); Likely benign (1). Last evaluated 2025-12-31.

Allele frequency attached by ClinVar (database versions not stated): gnomAD 0.00002; ExAC 0.00004.

Submissions (2):

Labcorp Genetics (formerly Invitae), Labcorp
Classification: Likely benign. Last evaluated: 2025-12-31. Review status: criteria provided, single submitter. Criteria: Invitae Variant Classification Sherloc (09022015). Collection method: clinical testing. Allele origin: germline.

CeGaT Center for Human Genetics Tuebingen
Classification: Uncertain significance. Last evaluated: 2023-06-01. Review status: criteria provided, single submitter. Criteria: CeGaT Center For Human Genetics Tuebingen Variant Classification Criteria Version 2. Collection method: clinical testing. Allele origin: germline. Affected: yes. Observed: 2 variant alleles.
Comment: SON: PM2:Supporting, BP4

NM_138927.4(SON):c.2427C>T (p.Ser809=)

Gene: SON (SON DNA and RNA binding protein; plus strand). Cytogenetic location: 21q22.11.
Variant type: single nucleotide variant.
Coding change: c.2427C>T on transcript NM_138927.4 (MANE Select); coding-DNA position 2427, C replaced by T.
Protein change: p.Ser809=; no amino-acid change (serine 809 retained).
Molecular consequence: synonymous variant. On other transcripts: non-coding transcript variant (1), intron variant (1).
Genome position (GRCh38, 1-based): chr21:33,551,658, C>T. VCF-style: chr21-33551658-C-T. GRCh37 (hg19) VCF-style: chr21-34923964-C-T.
Other names: c.2427C>T, p.Ser809= (NM_001291411.2, NM_032195.3); c.244+5279C>T (NM_001291412.3).
Identifiers: ClinVar variation 1335469 (VCV001335469.36), dbSNP rs749767284, ClinGen allele CA10009102.